The following is an entry in ClinVar:

ClinVar aggregate classification (germline): Benign. Review status: criteria provided, multiple submitters, no conflicts (2 of 4 stars). 5 submissions from 5 submitters: Benign (5). Last evaluated 2026-02-04.

Conditions:
Hypoparathyroidism-retardation-dysmorphism syndrome (HRDS). Also called: SANJAD-SAKATI SYNDROME. Identifiers: Orphanet 2323, MedGen C1855840, MONDO:0009426, OMIM 241410.

Allele frequency attached by ClinVar (database versions not stated): gnomAD exomes 0.09401 and 0.10139; ExAC 0.09975; 1000 Genomes Project 0.11681; 1000 Genomes Project 30x 0.12305; gnomAD 0.12948 and 0.13398; TOPMed 0.13339; ESP Exome Variant Server 0.14355.
gnomAD v4.1: 165,598 of 1,591,340 alleles (10%); highest among the groups gnomAD compares: African/African-American, 22%; 9,735 homozygotes.

Submissions 1 to 31 of 59:

Labcorp Genetics (formerly Invitae), Labcorp
Classification: Benign. Last evaluated: 2026-02-04. Review status: criteria provided, single submitter. Criteria: Invitae Variant Classification Sherloc (09022015). Collection method: clinical testing. Allele origin: germline.

Blueprint Genetics
Classification: Benign. Last evaluated: 2024-11-26. Review status: criteria provided, single submitter. Criteria: ACMG Guidelines, 2015. Collection method: clinical testing. Allele origin: germline.

GeneDx
Classification: Benign. Last evaluated: 2018-07-09. Review status: criteria provided, single submitter. Criteria: GeneDx Variant Classification Process June 2021. Collection method: clinical testing. Allele origin: germline. Affected: yes.

Illumina Laboratory Services, Illumina
Classification: Benign for Hypoparathyroidism-retardation-dysmorphism syndrome. Last evaluated: 2018-01-13. Review status: criteria provided, single submitter. Criteria: ICSL Variant Classification Criteria 13 December 2019. Collection method: clinical testing. Allele origin: germline.
Comment: This variant was observed in the ICSL laboratory as part of a predisposition screen in an ostensibly healthy population. It had not been previously curated by ICSL or reported in the Human Gene Mutation Database (HGMD: prior to June 1st, 2018), and was therefore a candidate for classification through an automated scoring system. Utilizing variant allele frequency, disease prevalence and penetrance estimates, and inheritance mode, an automated score was calculated to assess if this variant is too frequent to cause the disease. Based on the score and internal cut-off values, a variant classified as benign is not then subjected to further curation. The score for this variant resulted in a classification of benign for this disease.

Breakthrough Genomics
Classification: Benign. Review status: criteria provided, single submitter. Criteria: ACMG Guidelines, 2015. Collection method: not provided. Allele origin: germline. Inheritance: Autosomal recessive inheritance. Affected: yes.

Dr. Peter K. Rogan Lab, Western University
No classification provided (evidence only). Condition: Familial pancreatic carcinoma. Review status: no classification provided. Collection method: in vitro. Allele origin: not applicable. Functional consequence: retained intron. Not counted in ClinVar's aggregate classification.

Dr. Peter K. Rogan Lab, Western University
No classification provided (evidence only). Condition: Familial pancreatic carcinoma. Review status: no classification provided. Collection method: in vitro. Allele origin: not applicable. Functional consequence: retained intron. Not counted in ClinVar's aggregate classification.

Dr. Peter K. Rogan Lab, Western University
No classification provided (evidence only). Condition: Familial pancreatic carcinoma. Review status: no classification provided. Collection method: in vitro. Allele origin: not applicable. Functional consequence: retained intron. Not counted in ClinVar's aggregate classification.

Dr. Peter K. Rogan Lab, Western University
No classification provided (evidence only). Condition: Familial pancreatic carcinoma. Review status: no classification provided. Collection method: in vitro. Allele origin: not applicable. Functional consequence: retained intron. Not counted in ClinVar's aggregate classification.

Dr. Peter K. Rogan Lab, Western University
No classification provided (evidence only). Condition: Lymphoma. Review status: no classification provided. Collection method: in vitro. Allele origin: not applicable. Functional consequence: retained intron. Not counted in ClinVar's aggregate classification.

Dr. Peter K. Rogan Lab, Western University
No classification provided (evidence only). Condition: Lymphoma. Review status: no classification provided. Collection method: in vitro. Allele origin: not applicable. Functional consequence: retained intron. Not counted in ClinVar's aggregate classification.

Dr. Peter K. Rogan Lab, Western University
No classification provided (evidence only). Condition: Lymphoma. Review status: no classification provided. Collection method: in vitro. Allele origin: not applicable. Functional consequence: retained intron. Not counted in ClinVar's aggregate classification.

Dr. Peter K. Rogan Lab, Western University
No classification provided (evidence only). Condition: Ovarian cancer. Review status: no classification provided. Collection method: in vitro. Allele origin: not applicable. Functional consequence: retained intron. Not counted in ClinVar's aggregate classification.

Dr. Peter K. Rogan Lab, Western University
No classification provided (evidence only). Condition: Ovarian cancer. Review status: no classification provided. Collection method: in vitro. Allele origin: not applicable. Functional consequence: retained intron. Not counted in ClinVar's aggregate classification.

Dr. Peter K. Rogan Lab, Western University
No classification provided (evidence only). Condition: Ovarian cancer. Review status: no classification provided. Collection method: in vitro. Allele origin: not applicable. Functional consequence: retained intron. Not counted in ClinVar's aggregate classification.

Dr. Peter K. Rogan Lab, Western University
No classification provided (evidence only). Condition: Ovarian cancer. Review status: no classification provided. Collection method: in vitro. Allele origin: not applicable. Functional consequence: retained intron. Not counted in ClinVar's aggregate classification.

Dr. Peter K. Rogan Lab, Western University
No classification provided (evidence only). Condition: Colorectal cancer. Review status: no classification provided. Collection method: in vitro. Allele origin: not applicable. Functional consequence: retained intron. Not counted in ClinVar's aggregate classification.

Dr. Peter K. Rogan Lab, Western University
No classification provided (evidence only). Condition: Malignant lymphoma, large B-cell, diffuse. Review status: no classification provided. Collection method: in vitro. Allele origin: not applicable. Functional consequence: retained intron. Not counted in ClinVar's aggregate classification.

Dr. Peter K. Rogan Lab, Western University
No classification provided (evidence only). Condition: Nonpapillary renal cell carcinoma. Review status: no classification provided. Collection method: in vitro. Allele origin: not applicable. Functional consequence: retained intron. Not counted in ClinVar's aggregate classification.

Dr. Peter K. Rogan Lab, Western University
No classification provided (evidence only). Condition: Nonpapillary renal cell carcinoma. Review status: no classification provided. Collection method: in vitro. Allele origin: not applicable. Functional consequence: retained intron. Not counted in ClinVar's aggregate classification.

Dr. Peter K. Rogan Lab, Western University
No classification provided (evidence only). Condition: Nonpapillary renal cell carcinoma. Review status: no classification provided. Collection method: in vitro. Allele origin: not applicable. Functional consequence: retained intron. Not counted in ClinVar's aggregate classification.

Dr. Peter K. Rogan Lab, Western University
No classification provided (evidence only). Condition: Thymoma. Review status: no classification provided. Collection method: in vitro. Allele origin: not applicable. Functional consequence: retained intron. Not counted in ClinVar's aggregate classification.

Dr. Peter K. Rogan Lab, Western University
No classification provided (evidence only). Condition: Thymoma. Review status: no classification provided. Collection method: in vitro. Allele origin: not applicable. Functional consequence: retained intron. Not counted in ClinVar's aggregate classification.

Dr. Peter K. Rogan Lab, Western University
No classification provided (evidence only). Condition: Thymoma. Review status: no classification provided. Collection method: in vitro. Allele origin: not applicable. Functional consequence: retained intron. Not counted in ClinVar's aggregate classification.

Dr. Peter K. Rogan Lab, Western University
No classification provided (evidence only). Condition: Thymoma. Review status: no classification provided. Collection method: in vitro. Allele origin: not applicable. Functional consequence: retained intron. Not counted in ClinVar's aggregate classification.

Dr. Peter K. Rogan Lab, Western University
No classification provided (evidence only). Condition: Thymoma. Review status: no classification provided. Collection method: in vitro. Allele origin: not applicable. Functional consequence: retained intron. Not counted in ClinVar's aggregate classification.

Dr. Peter K. Rogan Lab, Western University
No classification provided (evidence only). Condition: Thymoma. Review status: no classification provided. Collection method: in vitro. Allele origin: not applicable. Functional consequence: retained intron. Not counted in ClinVar's aggregate classification.

Dr. Peter K. Rogan Lab, Western University
No classification provided (evidence only). Condition: Thymoma. Review status: no classification provided. Collection method: in vitro. Allele origin: not applicable. Functional consequence: retained intron. Not counted in ClinVar's aggregate classification.

Dr. Peter K. Rogan Lab, Western University
No classification provided (evidence only). Condition: Cholangiocarcinoma. Review status: no classification provided. Collection method: in vitro. Allele origin: not applicable. Functional consequence: retained intron. Not counted in ClinVar's aggregate classification.

Dr. Peter K. Rogan Lab, Western University
No classification provided (evidence only). Condition: Uterine carcinosarcoma. Review status: no classification provided. Collection method: in vitro. Allele origin: not applicable. Functional consequence: retained intron. Not counted in ClinVar's aggregate classification.

Dr. Peter K. Rogan Lab, Western University
No classification provided (evidence only). Condition: Uterine carcinosarcoma. Review status: no classification provided. Collection method: in vitro. Allele origin: not applicable. Functional consequence: retained intron. Not counted in ClinVar's aggregate classification.

NM_003193.5(TBCE):c.560+5G>A

Gene: TBCE (tubulin folding cofactor E; plus strand). Cytogenetic location: 1q42.3.
Variant type: single nucleotide variant.
Coding change: c.560+5G>A on transcript NM_003193.5 (MANE Select); 5 bases into the intron after coding-DNA position 560, G replaced by A.
Molecular consequence: intron variant.
Genome position (GRCh38, 1-based): chr1:235,427,244, G>A. VCF-style: chr1-235427244-G-A. GRCh37 (hg19) VCF-style: chr1-235590559-G-A.
Other names: c.560+5G>A (NM_001079515.3, NM_001287801.2); c.221+5G>A (NM_001287802.2).
Identifiers: ClinVar variation 296296 (VCV000296296.17), dbSNP rs12757197, ClinGen allele CA1464068.